The following is an entry in ClinVar:

NM_001004356.3(FGFRL1):c.68C>T (p.Ala23Val)

Gene: FGFRL1 (fibroblast growth factor receptor like 1; plus strand). Cytogenetic location: 4p16.3.
Variant type: single nucleotide variant.
Coding change: c.68C>T on transcript NM_001004356.3 (MANE Select); coding-DNA position 68, C replaced by T.
Protein change: p.Ala23Val; replaces alanine 23 with valine.
Molecular consequence: missense variant.
Genome position (GRCh38, 1-based): chr4:1,012,553, C>T. VCF-style: chr4-1012553-C-T. GRCh37 (hg19) VCF-style: chr4-1006341-C-T.
Other names: c.68C>T, p.Ala23Val (NM_001004358.1, NM_001370296.1, NM_021923.3); short protein forms A23V.
Identifiers: ClinVar variation 3605162 (VCV003605162.2).

ClinVar aggregate classification (germline): Uncertain significance (1 of 4 stars; one submission).

gnomAD v4.1: 9 of 1,462,672 alleles (0.00062%); highest among the groups gnomAD compares: Non-Finnish European, 0.00082%; no homozygotes.

Submission:

Labcorp Genetics (formerly Invitae), Labcorp
Classification: Uncertain significance. Last evaluated: 2024-10-01. Review status: criteria provided, single submitter. Criteria: Invitae Variant Classification Sherloc (09022015). Collection method: clinical testing. Allele origin: germline.
Comment: This sequence change replaces alanine, which is neutral and non-polar, with valine, which is neutral and non-polar, at codon 23 of the FGFRL1 protein (p.Ala23Val). This variant is not present in population databases (gnomAD no frequency). This variant has not been reported in the literature in individuals affected with FGFRL1-related conditions. Experimental studies and prediction algorithms are not available or were not evaluated, and the functional significance of this variant is currently unknown. In summary, the available evidence is currently insufficient to determine the role of this variant in disease. Therefore, it has been classified as a Variant of Uncertain Significance.